The following is an entry in ClinVar:

NM_006767.4(LZTR1):c.2094C>G (p.Ser698=)

Gene: LZTR1 (leucine zipper like post translational regulator 1; plus strand). Cytogenetic location: 22q11.21.
Variant type: single nucleotide variant.
Coding change: c.2094C>G on transcript NM_006767.4 (MANE Select); coding-DNA position 2094, C replaced by G.
Protein change: p.Ser698=; no amino-acid change (serine 698 retained).
Molecular consequence: synonymous variant.
Genome position (GRCh38, 1-based): chr22:20,995,987, C>G. VCF-style: chr22-20995987-C-G. GRCh37 (hg19) VCF-style: chr22-21350276-C-G.
Identifiers: ClinVar variation 4536104 (VCV004536104.1).
Genomic context (GRCh38, chr22:20,995,987, plus strand): 5'-GCTGACGGCCAGGTGCCTACCGCTCGTTGTCTGCAGCTACTTTGAAGCCATGTTCCGGTC[C>G]TTCATGCCCGAAGATGGGCAGGTGAACATCTCCATCGGGGAGATGGTGCCCAGCAGGCAG-3'
Protein context (NP_006758.2, residues 688-708): RSSYFEAMFR[Ser698=]FMPEDGQVNI

ClinVar aggregate classification (germline): Likely benign (1 of 4 stars; one submission).

Submission:

Women's Health and Genetics/Laboratory Corporation of America, LabCorp
Classification: Likely benign. Last evaluated: 2025-09-20. Review status: criteria provided, single submitter. Criteria: LabCorp Variant Classification Summary - May 2015. Collection method: clinical testing. Allele origin: germline.
Comment: Variant summary: LZTR1 c.2094C>G alters a conserved nucleotide resulting in a synonymous change. Consensus agreement among computation tools predict no significant impact on normal splicing. However, these predictions have yet to be confirmed by functional studies. The variant was absent in 251310 control chromosomes. The available data on variant occurrences in the general population are insufficient to allow any conclusion about variant significance. To our knowledge, no occurrence of c.2094C>G in individuals affected with LZTR1-related conditions and no experimental evidence demonstrating its impact on protein function have been reported. No submitters have cited clinical-significance assessments for this variant to ClinVar. Based on the evidence outlined above, the variant was classified as likely benign.